The following is an entry in ClinVar:

NM_012330.4(KAT6B):c.3252_3269del (p.Glu1084_Glu1089del)

Gene: KAT6B (lysine acetyltransferase 6B; plus strand). Cytogenetic location: 10q22.2.
Variant type: Deletion.
Coding change: c.3252_3269del on transcript NM_012330.4 (MANE Select); coding-DNA positions 3252 to 3269, 18 bases deleted (GGAAGAAGAGGAAGAGGA).
Protein change: p.Glu1084_Glu1089del.
Molecular consequence: inframe deletion.
Genome position (GRCh38, 1-based): chr10:75,022,111-75,022,128, GGAAGAAGAGGAAGAGGA deleted; deleting any 18 consecutive bases within chr10:75,022,103-75,022,128 gives the same sequence; the c. name uses the placement nearest the transcript's 3' end. VCF-style (leftmost placement, unchanged base first): chr10-75022102-AGAAGAGGAGGAAGAAGAG-A. GRCh37 (hg19) VCF-style: chr10-76781860-AGAAGAGGAGGAAGAAGAG-A.
Other names: c.2187_2204del, p.Glu729_Glu734del (NM_001370144.1, NM_001370143.1); c.2376_2393del, p.Glu792_Glu797del (NM_001370142.1, NM_001256469.2, NM_001370139.1 and 2 more transcripts); c.2703_2720del, p.Glu901_Glu906del (NM_001256468.2, NM_001370138.1); c.2214_2231del, p.Glu738_Glu743del (NM_001370132.1); c.1563_1580del, p.Glu521_Glu526del (NM_001370133.1); c.1167_1184del, p.Glu389_Glu394del (NM_001370134.1); c.909_926del, p.Glu303_Glu308del (NM_001370135.1); c.3252_3269del, p.Glu1084_Glu1089del (NM_001370136.1, NM_001370137.1).
Identifiers: ClinVar variation 2808285 (VCV002808285.3), dbSNP rs2549170089, ClinGen allele CA2739275843.

ClinVar aggregate classification (germline): Uncertain significance (1 of 4 stars; one submission).

Conditions:
Genitopatellar syndrome (GTPTS). Also called: Genitopatellar syndrome (GPS); ABSENT PATELLAE, SCROTAL HYPOPLASIA, RENAL ANOMALIES, FACIAL DYSMORPHISM, AND MENTAL RETARDATION. Identifiers: Orphanet 85201, MedGen C1853566, MONDO:0011640, OMIM 606170.

Submission:

Labcorp Genetics (formerly Invitae), Labcorp
Classification: Uncertain significance for Genitopatellar syndrome. Last evaluated: 2022-10-19. Review status: criteria provided, single submitter. Criteria: Invitae Variant Classification Sherloc (09022015). Collection method: clinical testing. Allele origin: germline.
Comment: In summary, the available evidence is currently insufficient to determine the role of this variant in disease. Therefore, it has been classified as a Variant of Uncertain Significance. Experimental studies and prediction algorithms are not available or were not evaluated, and the functional significance of this variant is currently unknown. This variant has not been reported in the literature in individuals affected with KAT6B-related conditions. This variant is not present in population databases (gnomAD no frequency). This variant, c.3252_3269del, results in the deletion of 6 amino acid(s) of the KAT6B protein (p.Glu1084_Glu1089del), but otherwise preserves the integrity of the reading frame.